The following is an entry in ClinVar:

NM_001378183.1(PIEZO2):c.6882G>A (p.Pro2294=)

Gene: PIEZO2 (piezo type mechanosensitive ion channel component 2; minus strand). Cytogenetic location: 18p11.22.
Variant type: single nucleotide variant.
Coding change: c.6882G>A on transcript NM_001378183.1 (MANE Select); coding-DNA position 6882, G replaced by A.
Protein change: p.Pro2294=; no amino-acid change (proline 2294 retained).
Molecular consequence: synonymous variant.
Genome position (GRCh38, 1-based): chr18:10,696,485, C>T on the plus strand (G>A on the coding strand, the complement: PIEZO2 is on the minus strand). VCF-style: chr18-10696485-C-T. GRCh37 (hg19) VCF-style: chr18-10696483-C-T.
Other names: c.6618G>A, p.Pro2206= (NM_001410871.1); c.6543G>A, p.Pro2181= (NM_022068.4).
Identifiers: ClinVar variation 2629047 (VCV002629047.1), dbSNP rs753479005, ClinGen allele CA8892149.

ClinVar aggregate classification (germline): Uncertain significance (1 of 4 stars; one submission).

Conditions:
PIEZO2-related disorder. Also called: PIEZO2-related condition; PIEZO2-related disorders.

Allele frequency attached by ClinVar (database versions not stated): gnomAD 0.00001; TOPMed 0.00002; gnomAD exomes 0.00003; ExAC 0.00004.
gnomAD v4.1: 18 of 1,613,966 alleles (0.0011%); highest among the groups gnomAD compares: Admixed American, 0.017%; no homozygotes.

Submission:

PreventionGenetics, part of Exact Sciences
Classification: Uncertain significance for PIEZO2-related condition. Last evaluated: 2022-11-17. Review status: criteria provided, single submitter. Criteria: ACMG Guidelines, 2015. Collection method: clinical testing. Allele origin: germline.
Comment: The PIEZO2 c.6543G>A variant is not predicted to result in an amino acid change (p.=). This variant is predicted to possibly activate a cryptic acceptor site and may alter splicing based on available splicing prediction programs (Alamut Visual Plus v1.6.1). To our knowledge, this variant has not been reported in the literature. This variant is reported in 0.029% of alleles in individuals of Latino descent in gnomAD. At this time, the clinical significance of this variant is uncertain due to the absence of conclusive functional and genetic evidence.